The following is an entry in ClinVar:

NM_031907.3(USP26):c.1578del (p.Asn527fs)

Gene: USP26 (ubiquitin specific peptidase 26; minus strand). Cytogenetic location: Xq26.2.
Variant type: Deletion.
Coding change: c.1578del on transcript NM_031907.3 (MANE Select); coding-DNA position 1578, one base deleted (G; older notation c.1578delG).
Protein change: p.Asn527fs; shifts the reading frame from asparagine 527.
Molecular consequence: frameshift variant.
Genome position (GRCh38, 1-based): chrX:133,026,643, C deleted on the plus strand (G on the coding strand, the reverse complement: USP26 is on the minus strand). VCF-style (leftmost placement, unchanged base first): chrX-133026642-TC-T. GRCh37 (hg19) VCF-style: chrX-132160670-TC-T.
Other names: short protein forms N527fs.
Identifiers: ClinVar variation 1879773 (VCV001879773.29), dbSNP rs2524102834, ClinGen allele CA2505823175.

ClinVar aggregate classification (germline): Uncertain significance (1 of 4 stars; one submission).

Submission:

CeGaT Center for Human Genetics Tuebingen
Classification: Uncertain significance. Last evaluated: 2022-11-01. Review status: criteria provided, single submitter. Criteria: CeGaT Center For Human Genetics Tuebingen Variant Classification Criteria Version 2. Collection method: clinical testing. Allele origin: germline. Affected: yes. Observed: 1 variant allele.
Comment: USP26: PM2